The following is an entry in ClinVar:

ClinVar aggregate classification (germline): Uncertain significance (1 of 4 stars; one submission).

Conditions:
Aicardi-Goutieres syndrome 3. Identifiers: Orphanet 51, MedGen C1835916, MONDO:0012471, OMIM 610329.

Allele frequency attached by ClinVar (database versions not stated): gnomAD exomes below 0.00001; gnomAD 0.00001; TOPMed 0.00002; ESP Exome Variant Server 0.00008.

Submission:

Labcorp Genetics (formerly Invitae), Labcorp
Classification: Uncertain significance for Aicardi-Goutieres syndrome 3. Last evaluated: 2021-08-26. Review status: criteria provided, single submitter. Criteria: Invitae Variant Classification Sherloc (09022015). Collection method: clinical testing. Allele origin: germline.
Comment: This sequence change replaces asparagine with serine at codon 125 of the RNASEH2C protein (p.Asn125Ser). The asparagine residue is weakly conserved and there is a small physicochemical difference between asparagine and serine. This variant is not present in population databases (ExAC no frequency). This variant has not been reported in the literature in individuals affected with RNASEH2C-related conditions. Algorithms developed to predict the effect of missense changes on protein structure and function output the following: SIFT: "Tolerated"; PolyPhen-2: "Benign"; Align-GVGD: "Class C0". The serine amino acid residue is found in multiple mammalian species, which suggests that this missense change does not adversely affect protein function. In summary, the available evidence is currently insufficient to determine the role of this variant in disease. Therefore, it has been classified as a Variant of Uncertain Significance.

NM_032193.4(RNASEH2C):c.374A>G (p.Asn125Ser)

Gene: RNASEH2C (ribonuclease H2 subunit C; minus strand). Cytogenetic location: 11q13.1.
Variant type: single nucleotide variant.
Coding change: c.374A>G on transcript NM_032193.4 (MANE Select); coding-DNA position 374, A replaced by G.
Protein change: p.Asn125Ser; replaces asparagine 125 with serine.
Molecular consequence: missense variant.
Genome position (GRCh38, 1-based): chr11:65,720,139, T>C on the plus strand (A>G on the coding strand, the complement: RNASEH2C is on the minus strand). VCF-style: chr11-65720139-T-C. GRCh37 (hg19) VCF-style: chr11-65487610-T-C.
Other names: short protein forms N125S.
Identifiers: ClinVar variation 1006628 (VCV001006628.6), dbSNP rs143452727, ClinGen allele CA223999320.